The following is an entry in ClinVar:

NM_001042492.3(NF1):c.1433A>C (p.Lys478Thr)

Gene: NF1 (neurofibromin 1; plus strand). Cytogenetic location: 17q11.2.
Variant type: single nucleotide variant.
Coding change: c.1433A>C on transcript NM_001042492.3 (MANE Select); coding-DNA position 1433, A replaced by C.
Protein change: p.Lys478Thr; replaces lysine 478 with threonine.
Molecular consequence: missense variant.
Genome position (GRCh38, 1-based): chr17:31,214,491, A>C. VCF-style: chr17-31214491-A-C. GRCh37 (hg19) VCF-style: chr17-29541509-A-C.
Other names: c.1433A>C, p.Lys478Thr (NM_000267.4, NM_001128147.3); short protein forms K478T.
Identifiers: ClinVar variation 4615753 (VCV004615753.1).
Genomic context (GRCh38, chr17:31,214,491, plus strand): 5'-TGTTTTTGTTTTGTTTTTAGAGTCTTACATTTAAAGAAAAAGTAACAAGCCTTAAATTTA[A>C]AGAAAAACCTACAGACCTGGAGACAAGAAGCTATAAGTATCTTCTCTTGTCCATGGTGAA-3'
Protein context (NP_001035957.1, residues 468-488): FKEKVTSLKF[Lys478Thr]EKPTDLETRS

ClinVar aggregate classification (germline): Uncertain significance (1 of 4 stars; one submission).

Conditions:
Cardiovascular phenotype. Identifiers: MedGen CN230736.
Hereditary cancer-predisposing syndrome. Also called: Neoplastic Syndromes, Hereditary; Tumor predisposition; Hereditary Cancer Syndrome; Hereditary neoplastic syndrome. Identifiers: Orphanet 140162, MedGen C0027672, MeSH D009386, MONDO:0015356.

Submission:

Ambry Genetics
Classification: Uncertain significance for Cardiovascular phenotype; Hereditary cancer-predisposing syndrome. Last evaluated: 2025-10-13. Review status: criteria provided, single submitter. Criteria: Ambry Variant Classification Scheme 2023. Collection method: clinical testing. Allele origin: germline.
Comment: The p.K478T variant (also known as c.1433A>C), located in coding exon 13 of the NF1 gene, results from an A to C substitution at nucleotide position 1433. The lysine at codon 478 is replaced by threonine, an amino acid with similar properties. This amino acid position is highly conserved in available vertebrate species. In addition, the in silico prediction for this alteration is inconclusive. Based on the available evidence, the clinical significance of this variant remains unclear.